The following is an entry in ClinVar:

NM_003995.4(NPR2):c.1937A>G (p.Lys646Arg)

Gene: NPR2 (natriuretic peptide receptor 2; plus strand). Cytogenetic location: 9p13.3.
Variant type: single nucleotide variant.
Coding change: c.1937A>G on transcript NM_003995.4 (MANE Select); coding-DNA position 1937, A replaced by G.
Protein change: p.Lys646Arg; replaces lysine 646 with arginine.
Molecular consequence: missense variant.
Genome position (GRCh38, 1-based): chr9:35,805,560, A>G. VCF-style: chr9-35805560-A-G. GRCh37 (hg19) VCF-style: chr9-35805557-A-G.
Other names: c.1946A>G, p.Lys649Arg (NM_001378923.1); short protein forms K646R, K649R.
Identifiers: ClinVar variation 3751407 (VCV003751407.2).

ClinVar aggregate classification (germline): Uncertain significance (1 of 4 stars; one submission).

Conditions:
Tall stature-scoliosis-macrodactyly of the great toes syndrome. Also called: Epiphyseal chondrodysplasia, miura type. Identifiers: Orphanet 329191, MedGen C4014690, MONDO:0014401, OMIM 615923.
Acromesomelic dysplasia 1, Maroteaux type (AMD1). Also called: ACROMESOMELIC DYSPLASIA 1; ST. HELENA DYSPLASIA. Identifiers: Orphanet 40, MedGen C1864356, MONDO:0011275, OMIM 602875.

gnomAD v4.1: 2 of 1,614,168 alleles (0.00012%); highest among the groups gnomAD compares: Non-Finnish European, 0.00017%; no homozygotes.

Submission:

Labcorp Genetics (formerly Invitae), Labcorp
Classification: Uncertain significance for Tall stature-scoliosis-macrodactyly of the great toes syndrome; Acromesomelic dysplasia 1, Maroteaux type. Last evaluated: 2024-08-28. Review status: criteria provided, single submitter. Criteria: Invitae Variant Classification Sherloc (09022015). Collection method: clinical testing. Allele origin: germline.
Comment: This sequence change replaces lysine, which is basic and polar, with arginine, which is basic and polar, at codon 646 of the NPR2 protein (p.Lys646Arg). This variant is not present in population databases (gnomAD no frequency). This variant has not been reported in the literature in individuals affected with NPR2-related conditions. Invitae Evidence Modeling of protein sequence and biophysical properties (such as structural, functional, and spatial information, amino acid conservation, physicochemical variation, residue mobility, and thermodynamic stability) indicates that this missense variant is not expected to disrupt NPR2 protein function with a negative predictive value of 80%. Algorithms developed to predict the effect of sequence changes on RNA splicing suggest that this variant may disrupt the consensus splice site. In summary, the available evidence is currently insufficient to determine the role of this variant in disease. Therefore, it has been classified as a Variant of Uncertain Significance.